The following is an entry in ClinVar:

NM_054021.2(GPR101):c.47A>G (p.His16Arg)

Gene: GPR101 (G protein-coupled receptor 101; minus strand). Cytogenetic location: Xq26.3.
Variant type: single nucleotide variant.
Coding change: c.47A>G on transcript NM_054021.2 (MANE Select); coding-DNA position 47, A replaced by G.
Protein change: p.His16Arg; replaces histidine 16 with arginine.
Molecular consequence: missense variant.
Genome position (GRCh38, 1-based): chrX:137,031,628, T>C on the plus strand (A>G on the coding strand, the complement: GPR101 is on the minus strand). VCF-style: chrX-137031628-T-C. GRCh37 (hg19) VCF-style: chrX-136113787-T-C.
Other names: short protein forms H16R.
Identifiers: ClinVar variation 4858164 (VCV004858164.1).

ClinVar aggregate classification (germline): Uncertain significance (1 of 4 stars; one submission).

gnomAD v4.1: 5 of 1,197,498 alleles (0.00042%); highest among the groups gnomAD compares: African/African-American, 0.007%; no homozygotes.

Submission:

Ambry Genetics
Classification: Uncertain significance. Last evaluated: 2026-05-19. Review status: criteria provided, single submitter. Criteria: Ambry Variant Classification Scheme 2023. Collection method: clinical testing. Allele origin: germline.
Comment: The c.47A>G (p.H16R) alteration is located in exon 1 (coding exon 1) of the GPR101 gene. This alteration results from a A to G substitution at nucleotide position 47, causing the histidine (H) at amino acid position 16 to be replaced by an arginine (R). Based on data from gnomAD, the G allele has an overall frequency of 0.001% (2/168029) total alleles studied. The highest observed frequency was 0.008% (1/13010) of African alleles. Based on insufficient or conflicting evidence, the clinical significance of this alteration remains unclear.